The following is an entry in ClinVar:

NM_133433.4(NIPBL):c.689A>G (p.Asn230Ser)

Gene: NIPBL (NIPBL cohesin loading factor; plus strand). Cytogenetic location: 5p13.2.
Variant type: single nucleotide variant.
Coding change: c.689A>G on transcript NM_133433.4 (MANE Select); coding-DNA position 689, A replaced by G.
Protein change: p.Asn230Ser; replaces asparagine 230 with serine.
Molecular consequence: missense variant.
Genome position (GRCh38, 1-based): chr5:36,970,954, A>G. VCF-style: chr5-36970954-A-G. GRCh37 (hg19) VCF-style: chr5-36971056-A-G.
Other names: c.689A>G, p.Asn230Ser (NM_015384.5); short protein forms N230S.
Identifiers: ClinVar variation 904179 (VCV000904179.8), dbSNP rs369282785, ClinGen allele CA3235901.

ClinVar aggregate classification (germline): Conflicting classifications of pathogenicity. Review status: criteria provided, conflicting classifications (1 of 4 stars). 4 submissions from 4 submitters: Uncertain significance (3); Likely benign (1). Last evaluated 2025-10-08.

Conditions:
NIPBL-related disorder. Also called: NIPBL-related condition.
Cornelia de Lange syndrome 1 (CDLS1). Also called: TYPUS DEGENERATIVUS AMSTELODAMENSIS; Brachmann de Lange syndrome; NIPBL-Related Cornelia de Lange Syndrome. Identifiers: Orphanet 199, MedGen C4551851, MONDO:0007387, OMIM 122470.

Allele frequency attached by ClinVar (database versions not stated): gnomAD exomes 0.00002 and 0.00004; ExAC 0.00003; gnomAD 0.00003 and 0.00004; TOPMed 0.00005; ESP Exome Variant Server 0.00008.
gnomAD v4.1: 35 of 1,613,626 alleles (0.0022%); highest among the groups gnomAD compares: South Asian, 0.011%; no homozygotes.

Submissions (4):

Labcorp Genetics (formerly Invitae), Labcorp
Classification: Uncertain significance for Cornelia de Lange syndrome 1. Last evaluated: 2025-10-08. Review status: criteria provided, single submitter. Criteria: Invitae Variant Classification Sherloc (09022015). Collection method: clinical testing. Allele origin: germline.
Comment: This sequence change replaces asparagine, which is neutral and polar, with serine, which is neutral and polar, at codon 230 of the NIPBL protein (p.Asn230Ser). This variant is present in population databases (rs369282785, gnomAD 0.01%). This variant has not been reported in the literature in individuals affected with NIPBL-related conditions. ClinVar contains an entry for this variant (Variation ID: 904179). Invitae Evidence Modeling of protein sequence and biophysical properties (such as structural, functional, and spatial information, amino acid conservation, physicochemical variation, residue mobility, and thermodynamic stability) indicates that this missense variant is not expected to disrupt NIPBL protein function with a negative predictive value of 95%. In summary, the available evidence is currently insufficient to determine the role of this variant in disease. Therefore, it has been classified as a Variant of Uncertain Significance.

PreventionGenetics, part of Exact Sciences
Classification: Uncertain significance for NIPBL-related condition. Last evaluated: 2024-12-17. Review status: criteria provided, single submitter. Criteria: ACMG Guidelines, 2015. Collection method: clinical testing. Allele origin: germline.
Comment: The NIPBL c.689A>G variant is predicted to result in the amino acid substitution p.Asn230Ser. To our knowledge, this variant has not been reported in the literature. This variant is reported in 0.0096% of alleles in individuals of Ashkenazi Jewish descent in gnomAD. Although we suspect that this variant may be benign, at this time, the clinical significance of this variant is uncertain due to the absence of conclusive functional and genetic evidence.

Blueprint Genetics
Classification: Likely benign. Last evaluated: 2022-04-29. Review status: criteria provided, single submitter. Criteria: ACMG Guidelines, 2015. Collection method: clinical testing. Allele origin: germline.

Illumina Laboratory Services, Illumina
Classification: Uncertain significance for Cornelia de Lange syndrome 1. Last evaluated: 2018-01-13. Review status: criteria provided, single submitter. Criteria: ICSL Variant Classification Criteria 13 December 2019. Collection method: clinical testing. Allele origin: germline.